The following is an entry in ClinVar:

ClinVar aggregate classification (germline): Uncertain significance (1 of 4 stars; one submission).

Submission:

Labcorp Genetics (formerly Invitae), Labcorp
Classification: Uncertain significance. Last evaluated: 2024-02-07. Review status: criteria provided, single submitter. Criteria: Invitae Variant Classification Sherloc (09022015). Collection method: clinical testing. Allele origin: germline.
Comment: This variant, c.633_634delinsTA, is a complex sequence change that results in the deletion of 2 and insertion of 2 amino acid(s) in the KANK1 protein (p.Gln211_Leu212delinsHisIle). Information on the frequency of this variant in the gnomAD database is not available, as this variant may be reported differently in the database. This variant has not been reported in the literature in individuals affected with KANK1-related conditions. Experimental studies and prediction algorithms are not available or were not evaluated, and the functional significance of this variant is currently unknown. In summary, the available evidence is currently insufficient to determine the role of this variant in disease. Therefore, it has been classified as a Variant of Uncertain Significance.

NM_015158.5(KANK1):c.633_634delinsTA (p.Gln211_Leu212delinsHisIle)

Gene: KANK1 (KN motif and ankyrin repeat domains 1; plus strand). Cytogenetic location: 9p24.3.
Variant type: Indel.
Coding change: c.633_634delinsTA on transcript NM_015158.5 (MANE Select); coding-DNA positions 633 to 634, GC replaced by TA.
Protein change: p.Gln211_Leu212delinsHisIle.
Molecular consequence: missense variant. On other transcripts: non-coding transcript variant (1).
Genome position (GRCh38, 1-based): chr9:711,399-711,400, GC replaced by TA. VCF-style: chr9-711399-GC-TA. GRCh37 (hg19) VCF-style: chr9-711399-GC-TA.
Other names: c.633_634delinsTA, p.Gln211_Leu212delinsHisIle (NM_001354331.2, NM_001354332.2, NM_001354334.2 and 2 more transcripts); c.159_160delinsTA, p.Gln53_Leu54delinsHisIle (NM_001354333.2, NM_001354335.2, NM_001354336.2 and 9 more transcripts).
Identifiers: ClinVar variation 3688845 (VCV003688845.2).